The following is an entry in ClinVar:

NM_001142800.2(EYS):c.1501_1502del (p.Phe501fs)

Gene: EYS (EGF-like photoreceptor maintenance factor; minus strand). Cytogenetic location: 6q12.
Variant type: Deletion.
Coding change: c.1501_1502del on transcript NM_001142800.2 (MANE Select); coding-DNA positions 1501 to 1502, 2 bases deleted (TT; older notation c.1501_1502delTT).
Protein change: p.Phe501fs; shifts the reading frame from phenylalanine 501.
Molecular consequence: frameshift variant.
Genome position (GRCh38, 1-based): chr6:65,344,135-65,344,136, AA deleted on the plus strand (TT on the coding strand, the reverse complement: EYS is on the minus strand); deleting any 2 consecutive bases within chr6:65,344,135-65,344,137 gives the same sequence; the c. name uses the placement nearest the transcript's 3' end. VCF-style (leftmost placement, unchanged base first): chr6-65344134-GAA-G. GRCh37 (hg19) VCF-style: chr6-66054027-GAA-G.
Other names: c.1501_1502del, p.Phe501fs (NM_001142801.2, NM_001292009.2, NM_198283.2); short protein forms F501fs.
Identifiers: ClinVar variation 1439413 (VCV001439413.7), dbSNP rs2150319960, ClinGen allele CA2573141039.

ClinVar aggregate classification (germline): Pathogenic. Review status: criteria provided, multiple submitters, no conflicts (2 of 4 stars). 2 submissions from 2 submitters: Pathogenic (2). Last evaluated 2024-11-08.

Conditions:
Retinitis pigmentosa 25 (RP25). Identifiers: Orphanet 791, MedGen C1864446, MONDO:0011272, OMIM 602772.

Submissions (2):

Myriad Genetics, Inc.
Classification: Pathogenic for Retinitis pigmentosa 25. Last evaluated: 2024-11-08. Review status: criteria provided, single submitter. Criteria: Myriad Autosomal Dominant, Autosomal Recessive and X-Linked Classification Criteria (2023). Collection method: clinical testing. Allele origin: unknown.
Comment: NM_001142800.1(EYS):c.1501_1502delTT(F501Lfs*8) is expected to be pathogenic in the context of retinitis pigmentosa, EYS-related. This variant is predicted to lead to an abnormal or absent protein product due to the creation of a premature termination codon in EYS, a gene where loss-of-function variants are known to be pathogenic. Please note: this variant was assessed in the context of healthy population screening.

Labcorp Genetics (formerly Invitae), Labcorp
Classification: Pathogenic. Last evaluated: 2023-05-05. Review status: criteria provided, single submitter. Criteria: Invitae Variant Classification Sherloc (09022015). Collection method: clinical testing. Allele origin: germline.
Comment: This variant has not been reported in the literature in individuals affected with EYS-related conditions. For these reasons, this variant has been classified as Pathogenic. ClinVar contains an entry for this variant (Variation ID: 1439413). This variant is not present in population databases (gnomAD no frequency). This sequence change creates a premature translational stop signal (p.Phe501Leufs*8) in the EYS gene. It is expected to result in an absent or disrupted protein product. Loss-of-function variants in EYS are known to be pathogenic (PMID: 18836446, 20333770).

Literature cited by the submitters: PubMed 18836446 (cited by Labcorp Genetics (formerly Invitae), Labcorp); PubMed 20333770 (cited by Labcorp Genetics (formerly Invitae), Labcorp).